The following is an entry in ClinVar:

NM_000548.5(TSC2):c.3105C>T (p.Phe1035=)

Gene: TSC2 (TSC complex subunit 2; plus strand). Cytogenetic location: 16p13.3.
Variant type: single nucleotide variant.
Coding change: c.3105C>T on transcript NM_000548.5 (MANE Select); coding-DNA position 3105, C replaced by T.
Protein change: p.Phe1035=; no amino-acid change (phenylalanine 1035 retained).
Molecular consequence: synonymous variant.
Genome position (GRCh38, 1-based): chr16:2,079,170, C>T. VCF-style: chr16-2079170-C-T. GRCh37 (hg19) VCF-style: chr16-2129171-C-T.
Other names: c.2973C>T, p.Phe991= (NM_001077183.3, NM_001370404.1); c.3105C>T, p.Phe1035= (NM_001114382.3); c.2865C>T, p.Phe955= (NM_001318827.2); c.2829C>T, p.Phe943= (NM_001318829.2); c.2373C>T, p.Phe791= (NM_001318831.2); c.3006C>T, p.Phe1002= (NM_001318832.2); c.2976C>T, p.Phe992= (NM_001363528.2, NM_001370405.1, NM_021055.3).
Identifiers: ClinVar variation 1124209 (VCV001124209.12), dbSNP rs2151434410, ClinGen allele CA493042769.

ClinVar aggregate classification (germline): Benign/Likely benign. Review status: criteria provided, multiple submitters, no conflicts (2 of 4 stars). 3 submissions from 3 submitters: Benign (1); Likely benign (2). Last evaluated 2025-05-27.

Conditions:
Hereditary cancer-predisposing syndrome. Also called: Neoplastic Syndromes, Hereditary; Tumor predisposition; Hereditary Cancer Syndrome; Hereditary neoplastic syndrome. Identifiers: Orphanet 140162, MedGen C0027672, MeSH D009386, MONDO:0015356.
Tuberous sclerosis 2 (TSC2). Identifiers: Orphanet 805, MedGen C1860707, MONDO:0013199, OMIM 613254.

Submissions (3):

Myriad Genetics, Inc.
Classification: Benign for Tuberous sclerosis 2. Last evaluated: 2025-05-27. Review status: criteria provided, single submitter. Criteria: Myriad Autosomal Dominant, Autosomal Recessive and X-Linked Classification Criteria (2023). Collection method: clinical testing. Allele origin: unknown.
Comment: This variant is considered benign. This variant is a silent/synonymous amino acid change and it is not expected to impact splicing.

Labcorp Genetics (formerly Invitae), Labcorp
Classification: Likely benign for Tuberous sclerosis 2. Last evaluated: 2024-06-05. Review status: criteria provided, single submitter. Criteria: Invitae Variant Classification Sherloc (09022015). Collection method: clinical testing. Allele origin: germline.

Ambry Genetics
Classification: Likely benign for Hereditary cancer-predisposing syndrome. Last evaluated: 2021-06-15. Review status: criteria provided, single submitter. Criteria: Ambry Variant Classification Scheme 2023. Collection method: clinical testing. Allele origin: germline.